The following is an entry in ClinVar:

ClinVar aggregate classification (germline): Pathogenic (1 of 4 stars; one submission).

Conditions:
Deficiency of alpha-mannosidase (MANSA). Also called: LYSOSOMAL ALPHA-D-MANNOSIDASE DEFICIENCY; Alpha-Mannosidosis; Mannosidosis, alpha-, types I and II. Identifiers: Orphanet 61, MedGen C0024748, MONDO:0009561, OMIM 248500.

Submission:

Myriad Genetics, Inc.
Classification: Pathogenic for Deficiency of alpha-mannosidase. Last evaluated: 2025-04-09. Review status: criteria provided, single submitter. Criteria: Myriad Autosomal Dominant, Autosomal Recessive and X-Linked Classification Criteria (2023). Collection method: clinical testing. Allele origin: unknown.
Comment: NM_000528.3(MAN2B1):c.2395C>T(Q799*) is expected to be pathogenic in the context of alpha-mannosidosis. This variant is predicted to lead to an abnormal or absent protein product due to the creation of a premature termination codon in MAN2B1, a gene where loss-of-function variants are known to be pathogenic. Please note: this variant was assessed in the context of healthy population screening.

NM_000528.4(MAN2B1):c.2395C>T (p.Gln799Ter)

Gene: MAN2B1 (mannosidase alpha class 2B member 1; minus strand). Cytogenetic location: 19p13.13.
Variant type: single nucleotide variant.
Coding change: c.2395C>T on transcript NM_000528.4 (MANE Select); coding-DNA position 2395, C replaced by T.
Protein change: p.Gln799Ter; replaces glutamine 799 with a stop codon.
Molecular consequence: nonsense.
Genome position (GRCh38, 1-based): chr19:12,649,177, G>A on the plus strand (C>T on the coding strand, the complement: MAN2B1 is on the minus strand). VCF-style: chr19-12649177-G-A. GRCh37 (hg19) VCF-style: chr19-12759991-G-A.
Other names: c.2392C>T, p.Gln798Ter (NM_001173498.2); c.2398C>T, p.Gln800Ter (NM_001440570.1); short protein forms Q798*, Q799*, Q800*.
Identifiers: ClinVar variation 5013212 (VCV005013212.1).
Genomic context (GRCh38, chr19:12,649,177, plus strand): 5'-GGGGCTCTGACCCACTCACCATGAGCTCCAGCGAGCCATCTCTCAGGCTGCTGCCCCCCT[G>A]GGAGCGGTCAGTCAGCACAGTCAGCTGCATGTTTCCATCCTGGGAGTTGAAGGGTGAAAG-3'